The following is an entry in ClinVar:

ClinVar aggregate classification (germline): Benign (1 of 4 stars; one submission).

Allele frequency attached by ClinVar (database versions not stated): 1000 Genomes Project 30x 0.16896; 1000 Genomes Project 0.17352; TOPMed 0.25246.
gnomAD v4.1: 42,041 of 152,040 alleles (28%); highest among the groups gnomAD compares: Non-Finnish European, 39%; 7,380 homozygotes.

Submission:

GeneDx
Classification: Benign. Last evaluated: 2018-06-14. Review status: criteria provided, single submitter. Criteria: GeneDx Variant Classification (06012015). Collection method: clinical testing. Allele origin: germline. Affected: yes.
Comment: This variant is considered likely benign or benign based on one or more of the following criteria: it is a conservative change, it occurs at a poorly conserved position in the protein, it is predicted to be benign by multiple in silico algorithms, and/or has population frequency not consistent with disease.

NM_004074.3(COX8A):c.115-277A>G

Gene: COX8A (cytochrome c oxidase subunit 8A; plus strand). Cytogenetic location: 11q13.1.
Variant type: single nucleotide variant.
Coding change: c.115-277A>G on transcript NM_004074.3 (MANE Select); 277 bases into the intron before coding-DNA position 115, A replaced by G.
Molecular consequence: intron variant.
Genome position (GRCh38, 1-based): chr11:63,975,948, A>G. VCF-style: chr11-63975948-A-G. GRCh37 (hg19) VCF-style: chr11-63743420-A-G.
Identifiers: ClinVar variation 683608 (VCV000683608.1), dbSNP rs11605797, ClinGen allele CA15676032.